The following is an entry in ClinVar:

ClinVar aggregate classification (germline): Likely benign (1 of 4 stars; one submission).

Conditions:
SCAF4-related disorder. Also called: SCAF4-related condition.

gnomAD v4.1: 34 of 1,612,076 alleles (0.0021%); highest among the groups gnomAD compares: African/African-American, 0.012%; no homozygotes.

Submission:

PreventionGenetics, part of Exact Sciences
Classification: Likely benign for SCAF4-related condition. Last evaluated: 2026-03-24. Review status: criteria provided, single submitter. Criteria: ACMG Guidelines, 2015. Collection method: clinical testing. Allele origin: germline.
Comment: This variant is classified as likely benign based on ACMG/AMP sequence variant interpretation guidelines (Richards et al. 2015 PMID: 25741868, with internal and published modifications).

NM_020706.2(SCAF4):c.924C>T (p.Pro308=)

Gene: SCAF4 (SR-related CTD associated factor 4; minus strand). Cytogenetic location: 21q22.11.
Variant type: single nucleotide variant.
Coding change: c.924C>T on transcript NM_020706.2 (MANE Select); coding-DNA position 924, C replaced by T.
Protein change: p.Pro308=; no amino-acid change (proline 308 retained).
Molecular consequence: synonymous variant.
Genome position (GRCh38, 1-based): chr21:31,696,604, G>A on the plus strand (C>T on the coding strand, the complement: SCAF4 is on the minus strand). VCF-style: chr21-31696604-G-A. GRCh37 (hg19) VCF-style: chr21-33068917-G-A.
Other names: c.879C>T, p.Pro293= (NM_001145444.1); c.924C>T, p.Pro308= (NM_001145445.1).
Identifiers: ClinVar variation 4990500 (VCV004990500.1).